The following is an entry in ClinVar:

ClinVar aggregate classification (germline): Conflicting classifications of pathogenicity. Review status: criteria provided, conflicting classifications (1 of 4 stars). 5 submissions from 5 submitters: Uncertain significance (2); Benign (1); Likely benign (2). Last evaluated 2026-01-21.

Allele frequency attached by ClinVar (database versions not stated): 1000 Genomes Project 0.00060; ExAC 0.00087; 1000 Genomes Project 30x 0.00094; gnomAD exomes 0.00099 and 0.00191; gnomAD 0.00106 and 0.00112; TOPMed 0.00129; ESP Exome Variant Server 0.00154.

Submissions (5):

Labcorp Genetics (formerly Invitae), Labcorp
Classification: Benign. Last evaluated: 2026-01-21. Review status: criteria provided, single submitter. Criteria: Invitae Variant Classification Sherloc (09022015). Collection method: clinical testing. Allele origin: germline.

Mayo Clinic Laboratories, Mayo Clinic
Classification: Likely benign. Last evaluated: 2025-06-09. Review status: criteria provided, single submitter. Criteria: ACMG Guidelines, 2015. Collection method: clinical testing. Allele origin: germline. Observed: 2 variant alleles.
Comment: BP4, BP7, PM2_moderate

Blueprint Genetics
Classification: Likely benign. Last evaluated: 2024-10-18. Review status: criteria provided, single submitter. Criteria: ACMG Guidelines, 2015. Collection method: clinical testing. Allele origin: germline.

Eurofins Ntd Llc (ga)
Classification: Uncertain significance. Last evaluated: 2018-09-17. Review status: criteria provided, single submitter. Criteria: EGL ClinVar v180209 classification definitions. Collection method: clinical testing. Allele origin: germline. Observed: 11 variant alleles, 11 heterozygotes.

Breakthrough Genomics
Classification: Uncertain significance. Review status: criteria provided, single submitter. Criteria: ACMG Guidelines, 2015. Collection method: not provided. Allele origin: germline. Inheritance: Autosomal recessive inheritance. Affected: yes.

NM_000452.3(SLC10A2):c.66T>C (p.Pro22=)

Gene: SLC10A2 (solute carrier family 10 member 2; minus strand). Cytogenetic location: 13q33.1.
Variant type: single nucleotide variant.
Coding change: c.66T>C on transcript NM_000452.3 (MANE Select); coding-DNA position 66, T replaced by C.
Protein change: p.Pro22=; no amino-acid change (proline 22 retained).
Molecular consequence: synonymous variant.
Genome position (GRCh38, 1-based): chr13:103,066,184, A>G on the plus strand (T>C on the coding strand, the complement: SLC10A2 is on the minus strand). VCF-style: chr13-103066184-A-G. GRCh37 (hg19) VCF-style: chr13-103718534-A-G.
Other names: p.Pro22=.
Identifiers: ClinVar variation 501144 (VCV000501144.12), dbSNP rs138387807, ClinGen allele CA7042355.